The following is an entry in ClinVar:

ClinVar aggregate classification (germline): Uncertain significance (1 of 4 stars; one submission).

gnomAD v4.1: 12 of 1,613,454 alleles (0.00074%); highest among the groups gnomAD compares: South Asian, 0.012%; no homozygotes.

Submission:

Labcorp Genetics (formerly Invitae), Labcorp
Classification: Uncertain significance. Last evaluated: 2025-01-26. Review status: criteria provided, single submitter. Criteria: Invitae Variant Classification Sherloc (09022015). Collection method: clinical testing. Allele origin: germline.
Comment: This sequence change replaces isoleucine, which is neutral and non-polar, with valine, which is neutral and non-polar, at codon 1900 of the ATR protein (p.Ile1900Val). This variant is present in population databases (rs779380787, gnomAD 0.01%). This variant has not been reported in the literature in individuals affected with ATR-related conditions. An algorithm developed to predict the effect of missense changes on protein structure and function (PolyPhen-2) suggests that this variant is likely to be tolerated. In summary, the available evidence is currently insufficient to determine the role of this variant in disease. Therefore, it has been classified as a Variant of Uncertain Significance.

NM_001184.4(ATR):c.5698A>G (p.Ile1900Val)

Gene: ATR (ATR checkpoint kinase; minus strand). Cytogenetic location: 3q23.
Variant type: single nucleotide variant.
Coding change: c.5698A>G on transcript NM_001184.4 (MANE Select); coding-DNA position 5698, A replaced by G.
Protein change: p.Ile1900Val; replaces isoleucine 1900 with valine.
Molecular consequence: missense variant.
Genome position (GRCh38, 1-based): chr3:142,497,053, T>C on the plus strand (A>G on the coding strand, the complement: ATR is on the minus strand). VCF-style: chr3-142497053-T-C. GRCh37 (hg19) VCF-style: chr3-142215895-T-C.
Other names: c.5506A>G, p.Ile1836Val (NM_001354579.2); short protein forms I1900V, I1836V.
Identifiers: ClinVar variation 4692381 (VCV004692381.1).